The following is an entry in ClinVar:

ClinVar aggregate classification (germline): Conflicting classifications of pathogenicity. Review status: criteria provided, conflicting classifications (1 of 4 stars). 4 submissions from 4 submitters: Uncertain significance (3); Likely benign (1). Last evaluated 2023-03-23.

Conditions:
Hereditary cancer-predisposing syndrome. Also called: Neoplastic Syndromes, Hereditary; Tumor predisposition; Hereditary Cancer Syndrome; Hereditary neoplastic syndrome. Identifiers: Orphanet 140162, MedGen C0027672, MeSH D009386, MONDO:0015356.
Hereditary breast ovarian cancer syndrome. Also called: Hereditary breast and ovarian cancer; Hereditary breast and/or ovarian cancer syndrome; BRCA1- and BRCA2-Associated Hereditary Breast and Ovarian Cancer; Hereditary breast and ovarian cancer syndrome (HBOC); Hereditary breast and ovarian cancer syndrome; Breast and ovarian cancer. Identifiers: Orphanet 145, MedGen C0677776, MeSH D061325, MONDO:0003582. Disease mechanism: loss of function.

Submissions (4):

University of Washington Department of Laboratory Medicine, University of Washington
Classification: Likely benign for Hereditary cancer-predisposing syndrome. Last evaluated: 2023-03-23. Review status: criteria provided, single submitter. Criteria: Dines et al. (Genet Med. 2020). Collection method: curation. Allele origin: germline.
Comment: Missense variant in a coldspot region where missense variants are very unlikely to be pathogenic (PMID:31911673).

BRCA1 coldspot (exon 11 using historical exon numbering). Reclassification based on statistical prior probability

Ambry Genetics
Classification: Uncertain significance for Hereditary cancer-predisposing syndrome. Last evaluated: 2023-03-17. Review status: criteria provided, single submitter. Criteria: Ambry Variant Classification Scheme 2023. Collection method: clinical testing. Allele origin: germline.
Comment: The p.D642G variant (also known as c.1925A>G), located in coding exon 9 of the BRCA1 gene, results from an A to G substitution at nucleotide position 1925. The aspartic acid at codon 642 is replaced by glycine, an amino acid with similar properties. This variant was not reported in population based cohorts in the following databases: Database of Single Nucleotide Polymorphisms (dbSNP), NHLBI Exome Sequencing Project (ESP), and 1000 Genomes Project. In the ESP, this variant was not observed in 6503 samples (13006 alleles) with coverage at this position. To date, this alteration has been detected with an allele frequency of approximately 0.0003% (greater than 300000 alleles tested) in our clinical cohort. This amino acid position is not well conserved in available vertebrate species. In addition, the in silico prediction for this alteration is inconclusive. Since supporting evidence is limited at this time, the clinical significance of this alteration remains unclear.

Labcorp Genetics (formerly Invitae), Labcorp
Classification: Uncertain significance for Hereditary breast ovarian cancer syndrome. Last evaluated: 2021-11-15. Review status: criteria provided, single submitter. Criteria: Invitae Variant Classification Sherloc (09022015). Collection method: clinical testing. Allele origin: germline.
Comment: This sequence change replaces aspartic acid, which is acidic and polar, with glycine, which is neutral and non-polar, at codon 642 of the BRCA1 protein (p.Asp642Gly). This variant is not present in population databases (gnomAD no frequency). This variant has not been reported in the literature in individuals affected with BRCA1-related conditions. ClinVar contains an entry for this variant (Variation ID: 188072). Advanced modeling of protein sequence and biophysical properties (such as structural, functional, and spatial information, amino acid conservation, physicochemical variation, residue mobility, and thermodynamic stability) performed at Invitae indicates that this missense variant is not expected to disrupt BRCA1 protein function. In summary, the available evidence is currently insufficient to determine the role of this variant in disease. Therefore, it has been classified as a Variant of Uncertain Significance.

Color Diagnostics, LLC DBA Color Health
Classification: Uncertain significance for Hereditary cancer-predisposing syndrome. Last evaluated: 2019-06-19. Review status: criteria provided, single submitter. Criteria: ACMG Guidelines, 2015. Collection method: clinical testing. Allele origin: germline.

NM_007294.4(BRCA1):c.1925A>G (p.Asp642Gly)

Gene: BRCA1 (BRCA1 DNA repair associated; minus strand). Cytogenetic location: 17q21.31.
Variant type: single nucleotide variant.
Coding change: c.1925A>G on transcript NM_007294.4 (MANE Select); coding-DNA position 1925, A replaced by G.
Protein change: p.Asp642Gly; replaces aspartic acid 642 with glycine.
Molecular consequence: missense variant. On other transcripts: intron variant (137).
Genome position (GRCh38, 1-based): chr17:43,093,606, T>C on the plus strand (A>G on the coding strand, the complement: BRCA1 is on the minus strand). VCF-style: chr17-43093606-T-C. GRCh37 (hg19) VCF-style: chr17-41245623-T-C.
Other names: c.1712A>G, p.Asp571Gly (NM_001407571.1, NM_001407853.1, NM_001407894.1 and 9 more transcripts); c.1925A>G, p.Asp642Gly (NM_001407581.1, NM_001407582.1, NM_001407583.1 and 30 more transcripts); c.1922A>G, p.Asp641Gly (NM_001407587.1, NM_001407590.1, NM_001407591.1 and 22 more transcripts); c.1916A>G, p.Asp639Gly (NM_001407646.1, NM_001407647.1); c.1802A>G, p.Asp601Gly (NM_001407648.1, NM_001407664.1, NM_001407665.1 and 19 more transcripts); c.1799A>G, p.Asp600Gly (NM_001407649.1, NM_001407670.1, NM_001407671.1 and 11 more transcripts); c.1847A>G, p.Asp616Gly (NM_001407653.1, NM_001407654.1, NM_001407655.1 and 4 more transcripts); c.1844A>G, p.Asp615Gly (NM_001407659.1, NM_001407660.1, NM_001407661.1 and 1 more transcripts); and 40 more; short protein forms D642G, D595G, D474G, D514G, D515G, D530G, D531G, D553G.
Identifiers: ClinVar variation 188072 (VCV000188072.21), dbSNP rs786204049, ClinGen allele CA001272.
Genomic context (GRCh38, chr17:43,093,606, plus strand): 5'-TGCCTGACTGGCATTTGGTTGTACTTTTTTTTCTTTATCTCTTCACTGCTAGAACAACTA[T>C]CAATTTGCAATTCAGTACAATTAGGTGGGCTTAGATTTCTACTGACTACTAGTTCAAGCG-3'
Protein context (NP_009225.1, residues 632-652): SPPNCTELQI[Asp642Gly]SCSSSEEIKK